The following is an entry in ClinVar:

ClinVar aggregate classification (germline): Uncertain significance (1 of 4 stars; one submission).

gnomAD v4.1: 109 of 1,551,866 alleles (0.007%); highest among the groups gnomAD compares: Middle Eastern, 0.083%; 2 homozygotes.

Submission:

Mayo Clinic Laboratories, Mayo Clinic
Classification: Uncertain significance. Last evaluated: 2025-06-28. Review status: criteria provided, single submitter. Criteria: ACMG Guidelines, 2015. Collection method: clinical testing. Allele origin: germline. Observed: 1 variant allele.
Comment: BP4

Literature cited by the submitters: PubMed 33414808.

NM_001098816.3(TENM4):c.1894G>A (p.Asp632Asn)

Gene: TENM4 (teneurin transmembrane protein 4; minus strand). Cytogenetic location: 11q14.1.
Variant type: single nucleotide variant.
Coding change: c.1894G>A on transcript NM_001098816.3 (MANE Select); coding-DNA position 1894, G replaced by A.
Protein change: p.Asp632Asn; replaces aspartic acid 632 with asparagine.
Molecular consequence: missense variant.
Genome position (GRCh38, 1-based): chr11:78,812,206, C>T on the plus strand (G>A on the coding strand, the complement: TENM4 is on the minus strand). VCF-style: chr11-78812206-C-T. GRCh37 (hg19) VCF-style: chr11-78523251-C-T.
Other names: p.Asp632Asn; short protein forms D632N.
Identifiers: ClinVar variation 4541658 (VCV004541658.1).